The following is an entry in ClinVar:

ClinVar aggregate classification (germline): Pathogenic. Review status: criteria provided, multiple submitters, no conflicts (2 of 4 stars). 4 submissions from 4 submitters: Pathogenic (4). Last evaluated 2024-06-12.

Conditions:
Hereditary cancer-predisposing syndrome. Also called: Tumor predisposition; Hereditary Cancer Syndrome; Neoplastic Syndromes, Hereditary; Hereditary neoplastic syndrome. Identifiers: Orphanet 140162, MedGen C0027672, MeSH D009386, MONDO:0015356.
Birt-Hogg-Dube syndrome 1 (BHD1). Also called: FIBROFOLLICULOMAS WITH TRICHODISCOMAS AND ACROCHORDONS. Identifiers: Orphanet 122, MedGen CN375946, MONDO:0800445, OMIM 135150.
Birt-Hogg-Dube syndrome. Also called: Birt Hogg Dubé syndrome. Identifiers: Orphanet 122, MedGen C0346010, MONDO:0800444.

Submissions (4):

Myriad Genetics, Inc.
Classification: Pathogenic for Birt-Hogg-Dube syndrome 1. Last evaluated: 2024-06-12. Review status: criteria provided, single submitter. Criteria: Myriad Autosomal Dominant, Autosomal Recessive and X-Linked Classification Criteria (2023). Collection method: clinical testing. Allele origin: unknown.
Comment: This variant is considered pathogenic. This variant creates a frameshift predicted to result in premature protein truncation.

Ambry Genetics
Classification: Pathogenic for Hereditary cancer-predisposing syndrome. Last evaluated: 2023-06-14. Review status: criteria provided, single submitter. Criteria: Ambry Variant Classification Scheme 2023. Collection method: clinical testing. Allele origin: germline.
Comment: The c.1487_1490dupCTGT pathogenic mutation, located in coding exon 10 of the FLCN gene, results from a duplication of CTGT at nucleotide position 1487, causing a translational frameshift with a predicted alternate stop codon (p.D498Cfs*24). This alteration was reported in an individual with multiple clinically diagnosed fibrofolliculomas (Schmidt LS et al. Am J Hum Genet, 2005 Jun;76:1023-33). This variant is considered to be rare based on population cohorts in the Genome Aggregation Database (gnomAD). In addition to the clinical data presented in the literature, this alteration is expected to result in loss of function by premature protein truncation or nonsense-mediated mRNA decay. As such, this alteration is interpreted as a disease-causing mutation.

Labcorp Genetics (formerly Invitae), Labcorp
Classification: Pathogenic for Birt-Hogg-Dube syndrome. Last evaluated: 2018-08-02. Review status: criteria provided, single submitter. Criteria: Invitae Variant Classification Sherloc (09022015). Collection method: clinical testing. Allele origin: germline.
Comment: This sequence change results in a premature translational stop signal in the FLCN gene (p.Asp498Cysfs*24). While this is not anticipated to result in nonsense mediated decay, it is expected to disrupt the last 82 amino acids of the FLCN protein. This variant is not present in population databases (ExAC no frequency). This variant was reported in an individual affected with Birt-Hogg-Dube syndrome (PMID: 15852235). This variant is also known as c.1945insCTGT in the literature. ClinVar contains an entry for this variant (Variation ID: 253254). For these reasons, this variant has been classified as Pathogenic. Different truncations downstream of this variant (p.Arg527*, p.Trp511*) have been determined to be pathogenic (PMID: 15852235, 17028174, 20413710, Invitae). This suggests that deletion of this region of the FLCN protein is causative of disease. FLCN protein has been shown to interact with FNIP1 and FNIP2 proteins which bind AMPK to influence mTOR signaling pathway (PMID: 26334087, 17028174, 18403135, 18663353). Experimental evidence expressing a series of C-terminal deletion mutants has localized the minimal interaction region to amino acid residues 517-579 (PMID: 17028174, 18403135), which is expected to be completely disrupted by this truncation.

Genomic Diagnostic Laboratory, Division of Genomic Diagnostics, Children's Hospital of Philadelphia
Classification: Pathogenic for Birt-Hogg-Dube Syndrome. Last evaluated: 2016-07-18. Review status: criteria provided, single submitter. Criteria: DGD Variant Analysis Guidelines. Collection method: clinical testing. Allele origin: germline. Affected: yes. Observed: 1 variant allele.
Comment: Clinical Testing

Literature cited by the submitters: PubMed 15852235 (cited by Ambry Genetics and Labcorp Genetics (formerly Invitae), Labcorp); PubMed 17028174 (cited by Labcorp Genetics (formerly Invitae), Labcorp); PubMed 20413710 (cited by Labcorp Genetics (formerly Invitae), Labcorp); PubMed 26334087 (cited by Labcorp Genetics (formerly Invitae), Labcorp); PubMed 18403135 (cited by Labcorp Genetics (formerly Invitae), Labcorp); PubMed 18663353 (cited by Labcorp Genetics (formerly Invitae), Labcorp).

NM_144997.7(FLCN):c.1487_1490dup (p.Asp498fs)

Gene: FLCN (folliculin; minus strand). Cytogenetic location: 17p11.2.
Variant type: Microsatellite.
Coding change: c.1487_1490dup on transcript NM_144997.7 (MANE Select); coding-DNA positions 1487 to 1490, 4 bases duplicated (CTGT; older notation c.1487_1490dupCTGT).
Protein change: p.Asp498fs; shifts the reading frame from aspartic acid 498.
Molecular consequence: frameshift variant.
Genome position (GRCh38, 1-based): chr17:17,215,033-17,215,036, ACAG duplicated on the plus strand (CTGT on the coding strand, the reverse complement: FLCN is on the minus strand); duplicating any 4 consecutive bases within chr17:17,215,033-17,215,040 gives the same sequence; the c. name uses the placement nearest the transcript's 3' end. VCF-style (leftmost placement, unchanged base first): chr17-17215032-C-CACAG. GRCh37 (hg19) VCF-style: chr17-17118346-C-CACAG.
Other names: c.1541_1544dup, p.Asp516fs (NM_001353229.2); c.1487_1490dup, p.Asp498fs (NM_001353230.2, NM_001353231.2); short protein forms D498fs, D516fs.
Identifiers: ClinVar variation 253254 (VCV000253254.9), dbSNP rs879255679, ClinGen allele CA10586250.
Genomic context (GRCh38, chr17:17,215,032, plus strand): 5'-CACTGTTGCTTACTTCATCCACTCCTCCTTGAGGCAGACGAGGCACTGGTCCACCACATC[C>CACAG]ACAGACAGGTTCTGGTTGGTCAGAGCCGCTTCAATCTTATTCAGGATGGTGGGGCCCACT-3'